The following is an entry in ClinVar:

NM_002103.5(GYS1):c.797C>T (p.Ala266Val)

Gene: GYS1 (glycogen synthase 1; minus strand). Cytogenetic location: 19q13.33.
Variant type: single nucleotide variant.
Coding change: c.797C>T on transcript NM_002103.5 (MANE Select); coding-DNA position 797, C replaced by T.
Protein change: p.Ala266Val; replaces alanine 266 with valine.
Molecular consequence: missense variant. On other transcripts: non-coding transcript variant (1).
Genome position (GRCh38, 1-based): chr19:48,985,487, G>A on the plus strand (C>T on the coding strand, the complement: GYS1 is on the minus strand). VCF-style: chr19-48985487-G-A. GRCh37 (hg19) VCF-style: chr19-49488744-G-A.
Other names: c.605C>T, p.Ala202Val (NM_001161587.2); short protein forms A202V, A266V.
Identifiers: ClinVar variation 1429806 (VCV001429806.6), dbSNP rs1253678206, ClinGen allele CA406764566.

ClinVar aggregate classification (germline): Uncertain significance (1 of 4 stars; one submission).

Conditions:
Glycogen storage disease due to muscle and heart glycogen synthase deficiency. Also called: MUSCLE GLYCOGEN SYNTHASE DEFICIENCY; GSD 0b. Identifiers: Orphanet 137625, MedGen C1969054, MONDO:0012693, OMIM 611556.

Allele frequency attached by ClinVar (database versions not stated): gnomAD exomes below 0.00001.
gnomAD v4.1: 1 of 1,614,000 alleles (0.000062%); highest among the groups gnomAD compares: East Asian, 0.0022%; no homozygotes.

Submission:

Labcorp Genetics (formerly Invitae), Labcorp
Classification: Uncertain significance for Glycogen storage disease due to muscle and heart glycogen synthase deficiency. Last evaluated: 2022-03-18. Review status: criteria provided, single submitter. Criteria: Invitae Variant Classification Sherloc (09022015). Collection method: clinical testing. Allele origin: germline.
Comment: This sequence change replaces alanine, which is neutral and non-polar, with valine, which is neutral and non-polar, at codon 266 of the GYS1 protein (p.Ala266Val). This variant is present in population databases (no rsID available, gnomAD 0.006%). This variant has not been reported in the literature in individuals affected with GYS1-related conditions. Algorithms developed to predict the effect of missense changes on protein structure and function are either unavailable or do not agree on the potential impact of this missense change (SIFT: "Deleterious"; PolyPhen-2: "Possibly Damaging"; Align-GVGD: "Class C0"). Algorithms developed to predict the effect of sequence changes on RNA splicing suggest that this variant may create or strengthen a splice site. In summary, the available evidence is currently insufficient to determine the role of this variant in disease. Therefore, it has been classified as a Variant of Uncertain Significance.